The following is an entry in ClinVar:

ClinVar aggregate classification (germline): Uncertain significance. Review status: criteria provided, multiple submitters, no conflicts (2 of 4 stars). 2 submissions from 2 submitters: Uncertain significance (2). Last evaluated 2024-04-25.

Conditions:
Progressive sclerosing poliodystrophy (MTDPS4A). Also called: NEURONAL DEGENERATION OF CHILDHOOD WITH LIVER DISEASE, PROGRESSIVE; Alpers Syndrome; ALPERS DIFFUSE DEGENERATION OF CEREBRAL GRAY MATTER WITH HEPATIC CIRRHOSIS; Alpers-Huttenlocher Syndrome; Mitochondrial DNA depletion syndrome 4A (Alpers type); Mitochondrial DNA Depletion Syndrome 4A. Identifiers: Orphanet 726, MedGen C0205710, MONDO:0008758, OMIM 203700.

Allele frequency attached by ClinVar (database versions not stated): gnomAD exomes below 0.00001.
gnomAD v4.1: 1 of 1,614,256 alleles (0.000062%); highest among the groups gnomAD compares: Middle Eastern, 0.016%; no homozygotes.

Submissions (2):

Labcorp Genetics (formerly Invitae), Labcorp
Classification: Uncertain significance for Progressive sclerosing poliodystrophy. Last evaluated: 2024-04-25. Review status: criteria provided, single submitter. Criteria: Invitae Variant Classification Sherloc (09022015). Collection method: clinical testing. Allele origin: germline.
Comment: This sequence change replaces glycine, which is neutral and non-polar, with arginine, which is basic and polar, at codon 476 of the POLG protein (p.Gly476Arg). This variant is not present in population databases (gnomAD no frequency). This variant has not been reported in the literature in individuals affected with POLG-related conditions. ClinVar contains an entry for this variant (Variation ID: 1333041). Advanced modeling of protein sequence and biophysical properties (such as structural, functional, and spatial information, amino acid conservation, physicochemical variation, residue mobility, and thermodynamic stability) has been performed at Invitae for this missense variant, however the output from this modeling did not meet the statistical confidence thresholds required to predict the impact of this variant on POLG protein function. In summary, the available evidence is currently insufficient to determine the role of this variant in disease. Therefore, it has been classified as a Variant of Uncertain Significance.

GeneDx
Classification: Uncertain significance. Last evaluated: 2022-01-03. Review status: criteria provided, single submitter. Criteria: GeneDx Variant Classification Process June 2021. Collection method: clinical testing. Allele origin: germline. Affected: yes.
Comment: Not observed at significant frequency in large population cohorts (gnomAD); In silico analysis supports that this missense variant does not alter protein structure/function; Has not been previously published as pathogenic or benign to our knowledge

NM_002693.3(POLG):c.1426G>A (p.Gly476Arg)

Gene: POLG (DNA polymerase gamma, catalytic subunit; minus strand). Cytogenetic location: 15q26.1.
Variant type: single nucleotide variant.
Coding change: c.1426G>A on transcript NM_002693.3 (MANE Select); coding-DNA position 1426, G replaced by A.
Protein change: p.Gly476Arg; replaces glycine 476 with arginine.
Molecular consequence: missense variant.
Genome position (GRCh38, 1-based): chr15:89,327,174, C>T on the plus strand (G>A on the coding strand, the complement: POLG is on the minus strand). VCF-style: chr15-89327174-C-T. GRCh37 (hg19) VCF-style: chr15-89870405-C-T.
Other names: c.1426G>A, p.Gly476Arg (NM_001126131.2); short protein forms G476R.
Identifiers: ClinVar variation 1333041 (VCV001333041.4), dbSNP rs1555453652, ClinGen allele CA393761507.